The following is an entry in ClinVar:

NM_001372044.2(SHANK3):c.2652G>C (p.Glu884Asp)

Gene: SHANK3 (SH3 and multiple ankyrin repeat domains 3; plus strand). Cytogenetic location: 22q13.33.
Variant type: single nucleotide variant.
Coding change: c.2652G>C on transcript NM_001372044.2 (MANE Select); coding-DNA position 2652, G replaced by C.
Protein change: p.Glu884Asp; replaces glutamic acid 884 with aspartic acid.
Molecular consequence: missense variant.
Genome position (GRCh38, 1-based): chr22:50,720,260, G>C. VCF-style: chr22-50720260-G-C. GRCh37 (hg19) VCF-style: chr22-51158688-G-C.
Other names: c.2427G>C, p.Glu809Asp (NM_033517.1); short protein forms E809D, E884D.
Identifiers: ClinVar variation 2663594 (VCV002663594.1), dbSNP rs2518424516, ClinGen allele CA515258729.

ClinVar aggregate classification (germline): Uncertain significance (1 of 4 stars; one submission).

Submission:

GeneDx
Classification: Uncertain significance. Last evaluated: 2023-04-17. Review status: criteria provided, single submitter. Criteria: GeneDx Variant Classification Process June 2021. Collection method: clinical testing. Allele origin: germline. Affected: yes.
Comment: Not observed at significant frequency in large population cohorts (gnomAD); In silico analysis supports that this missense variant does not alter protein structure/function; Has not been previously published as pathogenic or benign to our knowledge